The following is an entry in ClinVar:

ClinVar aggregate classification (germline): Likely pathogenic (1 of 4 stars; one submission).

Conditions:
Intellectual disability-microcephaly-strabismus-behavioral abnormalities syndrome. Also called: White-Sutton Syndrome. Identifiers: Orphanet 468678, MedGen C4225351, MONDO:0014606, OMIM 616364.

Submission:

Molecular Genetics Laboratory, Motol Hospital
Classification: Likely pathogenic for Intellectual disability-microcephaly-strabismus-behavioral abnormalities syndrome. Last evaluated: 2024-11-27. Review status: criteria provided, single submitter. Criteria: ACMG Guidelines, 2015. Collection method: clinical testing. Allele origin: de novo. Affected: yes. Observed: 1 variant allele.
Comment: The variant was confirmed to be of a de novo origin. Rare truncating variants affecting the POGZ gene are documented as a molecular cause of autosomal dominant "White-Sutton syndrome" (OMIM:616364) (PMID:26942287;26739615;33377604;35821784). To conclude, the variant is classified as likely pathogenic (ACMG PVS1, PM2, PS2).

Literature cited by the submitters: PubMed 26942287; PubMed 26739615; PubMed 33377604; PubMed 35821784.

NM_015100.4(POGZ):c.3801C>A (p.Cys1267Ter)

Gene: POGZ (pogo transposable element derived with ZNF domain; minus strand). Cytogenetic location: 1q21.3.
Variant type: single nucleotide variant.
Coding change: c.3801C>A on transcript NM_015100.4 (MANE Select); coding-DNA position 3801, C replaced by A.
Protein change: p.Cys1267Ter; replaces cysteine 1267 with a stop codon.
Molecular consequence: nonsense.
Genome position (GRCh38, 1-based): chr1:151,405,234, G>T on the plus strand (C>A on the coding strand, the complement: POGZ is on the minus strand). VCF-style: chr1-151405234-G-T. GRCh37 (hg19) VCF-style: chr1-151377710-G-T.
Other names: c.3774C>A, p.Cys1258Ter (NM_001194937.2); c.3615C>A, p.Cys1205Ter (NM_001194938.2); c.3822C>A, p.Cys1274Ter (NM_001410860.1); c.3516C>A, p.Cys1172Ter (NM_145796.4); c.3642C>A, p.Cys1214Ter (NM_207171.2); short protein forms C1172*, C1205*, C1214*, C1258*, C1267*, C1274*.
Identifiers: ClinVar variation 3381759 (VCV003381759.2).